The following is an entry in ClinVar:

NM_001370259.2(MEN1):c.74C>T (p.Ala25Val)

Gene: MEN1 (menin 1; minus strand). Cytogenetic location: 11q13.1.
Variant type: single nucleotide variant.
Coding change: c.74C>T on transcript NM_001370259.2 (MANE Select); coding-DNA position 74, C replaced by T.
Protein change: p.Ala25Val; replaces alanine 25 with valine.
Molecular consequence: missense variant.
Genome position (GRCh38, 1-based): chr11:64,810,036, G>A on the plus strand (C>T on the coding strand, the complement: MEN1 is on the minus strand). VCF-style: chr11-64810036-G-A. GRCh37 (hg19) VCF-style: chr11-64577508-G-A.
Other names: c.74C>T, p.Ala25Val (NM_000244.4, NM_001370251.2, NM_001370260.2 and 9 more transcripts); short protein forms A25V.
Identifiers: ClinVar variation 582969 (VCV000582969.11), dbSNP rs1462138625, ClinGen allele CA381188064.

ClinVar aggregate classification (germline): Uncertain significance. Review status: criteria provided, multiple submitters, no conflicts (2 of 4 stars). 4 submissions from 4 submitters: Uncertain significance (4). Last evaluated 2025-04-01.

Conditions:
Hereditary cancer-predisposing syndrome. Also called: Neoplastic Syndromes, Hereditary; Hereditary Cancer Syndrome; Tumor predisposition; Hereditary neoplastic syndrome. Identifiers: Orphanet 140162, MedGen C0027672, MeSH D009386, MONDO:0015356.
Multiple endocrine neoplasia, type 1 (MEN1). Also called: MEN I; WERMER SYNDROME; Endocrine adenomatosis multiple; MEN 1; MEA I. Identifiers: Orphanet 652, MedGen C0025267, MeSH D018761, MONDO:0007540, OMIM 131100.

Allele frequency attached by ClinVar (database versions not stated): gnomAD exomes below 0.00001; gnomAD 0.00001; TOPMed 0.00001.

Submissions (4):

Ambry Genetics
Classification: Uncertain significance for Hereditary cancer-predisposing syndrome. Last evaluated: 2025-04-01. Review status: criteria provided, single submitter. Criteria: Ambry Variant Classification Scheme 2023. Collection method: clinical testing. Allele origin: germline.
Comment: The p.A25V variant (also known as c.74C>T), located in coding exon 1 of the MEN1 gene, results from a C to T substitution at nucleotide position 74. The alanine at codon 25 is replaced by valine, an amino acid with similar properties. This variant has been reported in a cohort of 185 patients with familial or sporadic MEN1 (Pierotti L et al. Front Endocrinol (Lausanne), 2023 Jul;14:1191040). This amino acid position is well conserved in available vertebrate species. In addition, the in silico prediction for this alteration is inconclusive. Based on the available evidence, the clinical significance of this variant remains unclear.

Quest Diagnostics Nichols Institute San Juan Capistrano
Classification: Uncertain significance. Last evaluated: 2024-05-20. Review status: criteria provided, single submitter. Criteria: Quest Diagnostics criteria. Collection method: clinical testing. Allele origin: unknown.

Baylor Genetics
Classification: Uncertain significance for Multiple Endocrine Neoplasia Type 1. Last evaluated: 2024-01-25. Review status: criteria provided, single submitter. Criteria: ACMG Guidelines, 2015. Collection method: clinical testing. Allele origin: unknown.

Labcorp Genetics (formerly Invitae), Labcorp
Classification: Uncertain significance for Multiple endocrine neoplasia, type 1. Last evaluated: 2022-06-07. Review status: criteria provided, single submitter. Criteria: Invitae Variant Classification Sherloc (09022015). Collection method: clinical testing. Allele origin: germline.
Comment: The frequency data for this variant in the population databases is considered unreliable, as metrics indicate poor data quality at this position in the gnomAD database. This variant has not been reported in the literature in individuals affected with MEN1-related conditions. ClinVar contains an entry for this variant (Variation ID: 582969). Algorithms developed to predict the effect of missense changes on protein structure and function (SIFT, PolyPhen-2, Align-GVGD) all suggest that this variant is likely to be tolerated. In summary, the available evidence is currently insufficient to determine the role of this variant in disease. Therefore, it has been classified as a Variant of Uncertain Significance. This sequence change replaces alanine, which is neutral and non-polar, with valine, which is neutral and non-polar, at codon 25 of the MEN1 protein (p.Ala25Val).

Literature cited by the submitters: PubMed 37484956 (cited by Ambry Genetics and Quest Diagnostics Nichols Institute San Juan Capistrano); PubMed 31737856 (cited by Quest Diagnostics Nichols Institute San Juan Capistrano).